The following is an entry in ClinVar:

ClinVar aggregate classification (germline): Uncertain significance (1 of 4 stars; one submission).

Conditions:
Hereditary cancer-predisposing syndrome. Also called: Neoplastic Syndromes, Hereditary; Tumor predisposition; Hereditary neoplastic syndrome; Hereditary Cancer Syndrome. Identifiers: Orphanet 140162, MedGen C0027672, MeSH D009386, MONDO:0015356.

Submission:

Ambry Genetics
Classification: Uncertain significance for Hereditary cancer-predisposing syndrome. Last evaluated: 2026-07-07. Review status: criteria provided, single submitter. Criteria: Ambry Variant Classification Scheme 2023. Collection method: clinical testing. Allele origin: germline.
Comment: The p.L1143I variant (also known as c.3427C>A), located in coding exon 13 of the PALB2 gene, results from a C to A substitution at nucleotide position 3427. The leucine at codon 1143 is replaced by isoleucine, an amino acid with highly similar properties. This amino acid position is conserved. In addition, this alteration is predicted to be tolerated by in silico analysis. Based on the available evidence, the clinical significance of this variant remains unclear.

NM_024675.4(PALB2):c.3427C>A (p.Leu1143Ile)

Gene: PALB2 (partner and localizer of BRCA2; minus strand). Cytogenetic location: 16p12.2.
Variant type: single nucleotide variant.
Coding change: c.3427C>A on transcript NM_024675.4 (MANE Select); coding-DNA position 3427, C replaced by A.
Protein change: p.Leu1143Ile; replaces leucine 1143 with isoleucine.
Molecular consequence: missense variant. On other transcripts: 3 prime UTR variant (5).
Genome position (GRCh38, 1-based): chr16:23,603,593, G>T on the plus strand (C>A on the coding strand, the complement: PALB2 is on the minus strand). VCF-style: chr16-23603593-G-T. GRCh37 (hg19) VCF-style: chr16-23614914-G-T.
Other names: c.3367C>A, p.Leu1123Ile (NM_001407296.1); c.3355C>A, p.Leu1119Ile (NM_001407297.1); c.3265C>A, p.Leu1089Ile (NM_001407298.1); c.3190C>A, p.Leu1064Ile (NM_001407299.1); c.3148C>A, p.Leu1050Ile (NM_001407300.1); c.*62C>A (NM_001407301.1, NM_001407302.1, NM_001407310.1 and 2 more transcripts); c.2542C>A, p.Leu848Ile (NM_001407304.1, NM_001407305.1, NM_001407306.1); c.2380C>A, p.Leu794Ile (NM_001407307.1); and 3 more; short protein forms L1064I, L1089I, L769I, L794I, L1119I, L848I, L1050I, L1143I.
Identifiers: ClinVar variation 5026170 (VCV005026170.1).